The following is an entry in ClinVar:

NM_003907.3(EIF2B5):c.725A>G (p.Tyr242Cys)

Gene: EIF2B5 (eukaryotic translation initiation factor 2B subunit epsilon; plus strand). Cytogenetic location: 3q27.1.
Variant type: single nucleotide variant.
Coding change: c.725A>G on transcript NM_003907.3 (MANE Select); coding-DNA position 725, A replaced by G.
Protein change: p.Tyr242Cys; replaces tyrosine 242 with cysteine.
Molecular consequence: missense variant.
Genome position (GRCh38, 1-based): chr3:184,138,206, A>G. VCF-style: chr3-184138206-A-G. GRCh37 (hg19) VCF-style: chr3-183855994-A-G.
Other names: short protein forms Y242C.
Identifiers: ClinVar variation 4531883 (VCV004531883.1).

ClinVar aggregate classification (germline): Likely pathogenic (1 of 4 stars; one submission).

Conditions:
Leukoencephalopathy with vanishing white matter 5 (VWM5). Also called: Leukoencephalopathy with vanishing white matter 5, with or without ovarian failure; EIF2B5-Related Childhood Ataxia with Central Nervous System Hypomyelination/Vanishing White Matter. Identifiers: MedGen C5779973, MONDO:0957873, OMIM 620315.

gnomAD v4.1: 1 of 1,614,048 alleles (0.000062%); highest among the groups gnomAD compares: Non-Finnish European, 0.000085%; no homozygotes.

Submission:

Victorian Clinical Genetics Services, Murdoch Childrens Research Institute
Classification: Likely pathogenic for Leukoencephalopathy with vanishing white matter 5. Last evaluated: 2025-11-17. Review status: criteria provided, single submitter. Criteria: ACMG Guidelines, 2015. Collection method: clinical testing. Allele origin: germline.
Comment: This variant is classified as Likely pathogenic. Evidence in support of pathogenic classification: Variant is present in gnomAD <0.01 for a recessive condition (v4: 1 heterozygote(s), 0 homozygote(s)); This variant has limited previous evidence of pathogenicity in an unrelated individual(s). This variant has been reported in a compound heterozygous individual with EIF2B5-related symptoms (PMID: 33245593); Missense variant predicted to be damaging by in silico tool(s) or highly conserved with a major amino acid change. Additional information: Variant is predicted to result in a missense amino acid change from Tyr to Cys; This variant is heterozygous; This gene is associated with autosomal recessive disease; Alternative amino acid change(s) at the same position are present in gnomAD (highest allele count: v4: 1 heterozygote(s), 0 homozygote(s)); No published evidence of segregation with disease has been identified for this variant; No published functional evidence has been identified for this variant; No comparable missense variants have previous evidence for pathogenicity; Variant is located in the annotated N-terminal domain of epsilon subunit of the eukaryotic translation initiation factor 2B (NCBI); Loss of function is a known mechanism of disease in this gene and is associated with leukoencephalopathy with vanishing white matter 5, with or without ovarian failure (MIM#620315).

Literature cited by the submitters: PubMed 33245593.